The following is an entry in ClinVar:

NM_000219.6(KCNE1):c.261G>C (p.Trp87Cys)

Gene: KCNE1 (potassium voltage-gated channel subfamily E regulatory subunit 1; minus strand). Cytogenetic location: 21q22.12.
Variant type: single nucleotide variant.
Coding change: c.261G>C on transcript NM_000219.6 (MANE Select); coding-DNA position 261, G replaced by C.
Protein change: p.Trp87Cys; replaces tryptophan 87 with cysteine.
Molecular consequence: missense variant.
Genome position (GRCh38, 1-based): chr21:34,449,374, C>G on the plus strand (G>C on the coding strand, the complement: KCNE1 is on the minus strand). VCF-style: chr21-34449374-C-G. GRCh37 (hg19) VCF-style: chr21-35821672-C-G.
Other names: c.261G>C, p.Trp87Cys (NM_001127668.4, NM_001127669.4, NM_001127670.4 and 4 more transcripts); short protein forms W87C.
Identifiers: ClinVar variation 3374469 (VCV003374469.2).

Conditions:
Long QT syndrome 5 (LQT5). Identifiers: Orphanet 101016, Orphanet 768, MedGen C1867904, MONDO:0013372, OMIM 613695.

Submission:

Roden Lab, Vanderbilt University Medical Center
No classification provided (evidence only). Condition: Long QT syndrome 5. Review status: no classification provided. Collection method: in vitro. Allele origin: not applicable. Functional consequence: Effect on ion channel function.
ClinVar note: "not provided" was previously submitted as the classification for the variant. However, the classification appeared to be based only on an observation of functional data so it was converted to no classification on 2025-07-30.